The following is an entry in ClinVar:

NM_001166108.2(PALLD):c.1869T>G (p.Ile623Met)

Gene: PALLD (palladin, cytoskeletal associated protein; plus strand). Cytogenetic location: 4q32.3.
Variant type: single nucleotide variant.
Coding change: c.1869T>G on transcript NM_001166108.2 (MANE Select); coding-DNA position 1869, T replaced by G.
Protein change: p.Ile623Met; replaces isoleucine 623 with methionine.
Molecular consequence: missense variant.
Genome position (GRCh38, 1-based): chr4:168,711,828, T>G. VCF-style: chr4-168711828-T-G. GRCh37 (hg19) VCF-style: chr4-169632979-T-G.
Other names: c.723T>G, p.Ile241Met (NM_001166109.2); c.1869T>G, p.Ile623Met (NM_016081.4); short protein forms I623M, I241M.
Identifiers: ClinVar variation 1781632 (VCV001781632.2), dbSNP rs749457222, ClinGen allele CA3135736.

ClinVar aggregate classification (germline): Uncertain significance (1 of 4 stars; one submission).

Allele frequency attached by ClinVar (database versions not stated): ExAC 0.00001.
gnomAD v4.1: 2 of 1,614,112 alleles (0.00012%); highest among the groups gnomAD compares: Non-Finnish European, 0.000085%; no homozygotes.

Submission:

Ambry Genetics
Classification: Uncertain significance. Last evaluated: 2021-11-22. Review status: criteria provided, single submitter. Criteria: Ambry Variant Classification Scheme 2023. Collection method: clinical testing. Allele origin: germline.
Comment: The p.I623M variant (also known as c.1869T>G), located in coding exon 9 of the PALLD gene, results from a T to G substitution at nucleotide position 1869. The isoleucine at codon 623 is replaced by methionine, an amino acid with highly similar properties. This amino acid position is conserved. In addition, this alteration is predicted to be tolerated by in silico analysis. Since supporting evidence is limited at this time, the clinical significance of this alteration remains unclear.